The following is an entry in ClinVar:

ClinVar aggregate classification (germline): Benign. Review status: criteria provided, multiple submitters, no conflicts (2 of 4 stars). 11 submissions from 10 submitters: Benign (10). 1 of the submissions does not count toward it. Last evaluated 2026-02-02.

Conditions:
Retinitis pigmentosa 39 (RP39). Identifiers: Orphanet 791, MedGen C3151138, MONDO:0013436, OMIM 613809.
Usher syndrome type 2A. Also called: RETINAL DISEASE IN USHER SYNDROME TYPE IIA, MODIFIER OF; USHER SYNDROME, TYPE IIA. Identifiers: Orphanet 231178, Orphanet 886, MedGen C1848634, MONDO:0010169, OMIM 276901.

Allele frequency attached by ClinVar (database versions not stated): gnomAD exomes 0.00349 and 0.00925; ExAC 0.01155; gnomAD 0.03766 and 0.04057; ESP Exome Variant Server 0.04052; TOPMed 0.04169; 1000 Genomes Project 0.04313; 1000 Genomes Project 30x 0.04513.
gnomAD v4.1: 11,040 of 1,613,082 alleles (0.68%); highest among the groups gnomAD compares: African/African-American, 13%; 623 homozygotes.

Submissions (11):

Labcorp Genetics (formerly Invitae), Labcorp
Classification: Benign. Last evaluated: 2026-02-02. Review status: criteria provided, single submitter. Criteria: Invitae Variant Classification Sherloc (09022015). Collection method: clinical testing. Allele origin: germline.

ARUP Laboratories, Molecular Genetics and Genomics, ARUP Laboratories
Classification: Benign. Last evaluated: 2023-11-28. Review status: criteria provided, single submitter. Criteria: ARUP Molecular Germline Variant Investigation Process 2024. Collection method: clinical testing. Allele origin: germline.

Genome-Nilou Lab
Classification: Benign for Retinitis pigmentosa 39. Last evaluated: 2023-11-04. Review status: criteria provided, single submitter. Criteria: ACMG Guidelines, 2015. Collection method: clinical testing. Allele origin: germline. Affected: no.

Genome-Nilou Lab
Classification: Benign for Usher syndrome type 2A. Last evaluated: 2023-11-04. Review status: criteria provided, single submitter. Criteria: ACMG Guidelines, 2015. Collection method: clinical testing. Allele origin: germline. Affected: no.

Women's Health and Genetics/Laboratory Corporation of America, LabCorp
Classification: Benign. Last evaluated: 2022-01-15. Review status: criteria provided, single submitter. Criteria: LabCorp Variant Classification Summary - May 2015. Collection method: clinical testing. Allele origin: germline.
Comment: Variant summary: USH2A c.6587G>C (p.Ser2196Thr) results in a conservative amino acid change located in the Fibronectin type III domain (IPR003961) of the encoded protein sequence. Four of five in-silico tools predict a benign effect of the variant on protein function. The variant allele was found at a frequency of 0.0093 in 250942 control chromosomes, predominantly at a frequency of 0.13 within the African or African-American subpopulation in the gnomAD database, including 127 homozygotes. The observed variant frequency within African or African-American control individuals in the gnomAD database is approximately 12 fold of the estimated maximal expected allele frequency for a pathogenic variant in USH2A causing Usher Syndrome phenotype (0.011), strongly suggesting that the variant is a benign polymorphism found primarily in populations of African or African-American origin. To our knowledge, no occurrence of c.6587G>C in individuals affected with Usher Syndrome and no experimental evidence demonstrating its impact on protein function have been reported. Six clinical diagnostic laboratories have submitted clinical-significance assessments for this variant to ClinVar after 2014 without evidence for independent evaluation. All laboratories classified the variant as benign. Based on the evidence outlined above, the variant was classified as benign.

Athena Diagnostics
Classification: Benign. Last evaluated: 2018-11-12. Review status: criteria provided, single submitter. Criteria: Athena Diagnostics Criteria. Collection method: clinical testing. Allele origin: germline.

GeneDx
Classification: Benign. Last evaluated: 2015-03-03. Review status: criteria provided, single submitter. Criteria: GeneDx Variant Classification Process June 2021. Collection method: clinical testing. Allele origin: germline. Affected: yes.
Comment: This variant is associated with the following publications: (PMID: 25262649, 22004887, 19683999, 27884173, 30245029)

Eurofins Ntd Llc (ga)
Classification: Benign. Last evaluated: 2015-02-06. Review status: criteria provided, single submitter. Criteria: EGL Classification Definitions 2015. Collection method: clinical testing. Allele origin: germline. Observed: 1 variant allele, 1 heterozygote.

Laboratory for Molecular Medicine, Mass General Brigham Personalized Medicine
Classification: Benign. Last evaluated: 2010-07-26. Review status: criteria provided, single submitter. Criteria: LMM Criteria. Collection method: clinical testing. Allele origin: germline. Observed: 52 variant alleles.
Comment: Ser2196Thr in exon 34 of USH2A: This variant has now been identified in 4/191 (2 .1%) individuals tested in our laboratory none of whom had a pathogenic USH2A va riant and one case had only conductive hearing loss inconsistent with an USH2A e tiology. In addition, all 4 individuals were Black or Hispanic suggesting this v ariant is very common in this population.

Breakthrough Genomics
Classification: Benign. Review status: criteria provided, single submitter. Criteria: ACMG Guidelines, 2015. Collection method: not provided. Allele origin: germline. Inheritance: Autosomal recessive inheritance. Affected: yes.

Natera, Inc.
Classification: Benign for Usher syndrome type 2A. Last evaluated: 2020-09-16. Review status: no assertion criteria provided. Collection method: clinical testing. Allele origin: germline. Not counted in ClinVar's aggregate classification.

Literature cited by the submitters: PubMed 27884173 (cited by Women's Health and Genetics/Laboratory Corporation of America, LabCorp).

NM_206933.4(USH2A):c.6587G>C (p.Ser2196Thr)

Gene: USH2A (usherin; minus strand). Cytogenetic location: 1q41.
Variant type: single nucleotide variant.
Coding change: c.6587G>C on transcript NM_206933.4 (MANE Select); coding-DNA position 6587, G replaced by C.
Protein change: p.Ser2196Thr; replaces serine 2196 with threonine.
Molecular consequence: missense variant.
Genome position (GRCh38, 1-based): chr1:215,998,957, C>G on the plus strand (G>C on the coding strand, the complement: USH2A is on the minus strand). VCF-style: chr1-215998957-C-G. GRCh37 (hg19) VCF-style: chr1-216172299-C-G.
Other names: short protein forms S2196T.
Identifiers: ClinVar variation 48565 (VCV000048565.34), dbSNP rs79444516, ClinGen allele CA143564.